The following is an entry in ClinVar:

NM_000352.6(ABCC8):c.4135C>A (p.Arg1379Ser)

Gene: ABCC8 (ATP binding cassette subfamily C member 8; minus strand). Cytogenetic location: 11p15.1.
Variant type: single nucleotide variant.
Coding change: c.4135C>A on transcript NM_000352.6 (MANE Select); coding-DNA position 4135, C replaced by A.
Protein change: p.Arg1379Ser; replaces arginine 1379 with serine.
Molecular consequence: missense variant. On other transcripts: non-coding transcript variant (1).
Genome position (GRCh38, 1-based): chr11:17,395,915, G>T on the plus strand (C>A on the coding strand, the complement: ABCC8 is on the minus strand). VCF-style: chr11-17395915-G-T. GRCh37 (hg19) VCF-style: chr11-17417462-G-T.
Other names: c.4138C>A, p.Arg1380Ser (NM_001287174.3); c.4201C>A, p.Arg1401Ser (NM_001351295.2); c.4135C>A, p.Arg1379Ser (NM_001351296.2); c.4132C>A, p.Arg1378Ser (NM_001351297.2); short protein forms R1379S, R1380S, R1401S, R1378S.
Identifiers: ClinVar variation 35614 (VCV000035614.14), dbSNP rs137852673, ClinGen allele CA213454.

ClinVar aggregate classification (germline): Uncertain significance. Review status: criteria provided, multiple submitters, no conflicts (2 of 4 stars). 6 submissions from 6 submitters: Uncertain significance (4). 2 of the submissions do not count toward it. Last evaluated 2024-06-10.

Conditions:
Hereditary hyperinsulinism.
Type 2 diabetes mellitus. Also called: Type II diabetes mellitus. Identifiers: MedGen C0011860, MeSH D003924, MONDO:0005148, OMIM 125853, HP:0005978.
Diabetes mellitus, transient neonatal, 2 (TNDM2). Identifiers: Orphanet 99886, MedGen C1835887, MONDO:0012480, OMIM 610374. Disease mechanism: loss of function.
Hyperinsulinemic hypoglycemia, familial, 1 (HHF1). Also called: Persistent hyperinsulinemic hypoglycemia of infancy; HYPERINSULINISM, FAMILIAL, WITH PANCREATIC NESIDIOBLASTOSIS; HYPOGLYCEMIA, HYPERINSULINEMIC, OF INFANCY; Persistent Hyperinsulinemia Hypoglycemia of Infancy; NESIDIOBLASTOSIS OF PANCREAS. Identifiers: Orphanet 276575, Orphanet 276598, MedGen C2931832, MONDO:0009734, OMIM 256450.
Leucine-induced hypoglycemia (LIH). Also called: LEUCINE-SENSITIVE HYPOGLYCEMIA OF INFANCY. Identifiers: MedGen C0271714, MONDO:0009415, OMIM 240800.
Diabetes mellitus, permanent neonatal 3. Also called: ABCC8-Related Permanent Neonatal Diabetes Mellitus. Identifiers: MedGen C5394303, MONDO:0030088, OMIM 618857.
Monogenic diabetes. Identifiers: Orphanet 183625, MedGen C3888631, MONDO:0015967.

Allele frequency attached by ClinVar (database versions not stated): gnomAD 0.00001; TOPMed 0.00001.
gnomAD v4.1: 5 of 1,585,140 alleles (0.00032%); highest among the groups gnomAD compares: Admixed American, 0.0088%; no homozygotes.

Submissions (6):

Fulgent Genetics
Classification: Uncertain significance for Type 2 diabetes mellitus; Leucine-induced hypoglycemia; Hyperinsulinemic hypoglycemia, familial, 1; Diabetes mellitus, transient neonatal, 2; Diabetes mellitus, permanent neonatal 3. Last evaluated: 2024-06-10. Review status: criteria provided, single submitter. Criteria: ACMG Guidelines, 2015. Collection method: clinical testing. Allele origin: germline.

Labcorp Genetics (formerly Invitae), Labcorp
Classification: Uncertain significance. Last evaluated: 2024-03-04. Review status: criteria provided, single submitter. Criteria: Invitae Variant Classification Sherloc (09022015). Collection method: clinical testing. Allele origin: germline.
Comment: This sequence change replaces arginine, which is basic and polar, with serine, which is neutral and polar, at codon 1379 of the ABCC8 protein (p.Arg1379Ser). The frequency data for this variant in the population databases is considered unreliable, as metrics indicate poor data quality at this position in the gnomAD database. This missense change has been observed in individual(s) with autosomal neonatal diabetes mellitus (PMID: 25555642). ClinVar contains an entry for this variant (Variation ID: 35614). Advanced modeling of protein sequence and biophysical properties (such as structural, functional, and spatial information, amino acid conservation, physicochemical variation, residue mobility, and thermodynamic stability) performed at Invitae indicates that this missense variant is expected to disrupt ABCC8 protein function with a positive predictive value of 95%. This variant disrupts the p.Arg1379 amino acid residue in ABCC8. Other variant(s) that disrupt this residue have been determined to be pathogenic (PMID: 16885549, 17446535, 18025464, 27681997). This suggests that this residue is clinically significant, and that variants that disrupt this residue are likely to be disease-causing. In summary, the available evidence is currently insufficient to determine the role of this variant in disease. Therefore, it has been classified as a Variant of Uncertain Significance.

Broad Center for Mendelian Genomics, Broad Institute of MIT and Harvard
Classification: Uncertain significance for Monogenic diabetes. Last evaluated: 2020-01-22. Review status: criteria provided, single submitter. Criteria: ACMG Guidelines, 2015. Collection method: curation. Allele origin: germline. Inheritance: Autosomal dominant inheritance.
Comment: The p.Arg1379Ser (sometimes called p.Arg1380Ser) variant in ABCC8 has been reported in 1 individual with Monogenic Diabetes (PMID: 25555642), and has been identified in 0.009857% (3/30434) of Latino chromosomes by the Genome Aggregation Database (gnomAD; dbSNP rs137852673). Although this variant has been seen in the general population, its frequency is low enough to be consistent with a carrier frequency. Please note that for diseases with clinical variability, or reduced penetrance, pathogenic variants may be present at a low frequency in the general population. This variant has also been reported as a VUS and as a likely pathogenic variant in ClinVar (Variation ID: 35614). Computational prediction tools and conservation analyses suggest that this variant may impact the protein, though this information is not predictive enough to determine pathogenicity. Three additional variants, each with a different amino acid change at the same position, (p.Arg1379Leu, p.Arg1379His, and p.Arg1379Cys), have been reported in association with disease in ClinVar or curated as a likely pathogenic variant or variant of uncertain significance by our study, supporting that a change at this position may not be tolerated (Variation ID: 35615). In summary, although additional studies are required to fully establish its clinical significance, this variant is likely pathogenic. ACMG/AMP Criteria applied: PM5, PM2_Supporting, PP3 (Richards 2015).

Women's Health and Genetics/Laboratory Corporation of America, LabCorp
Classification: Uncertain significance. Last evaluated: 2019-01-15. Review status: criteria provided, single submitter. Criteria: LabCorp Variant Classification Summary - May 2015. Collection method: clinical testing. Allele origin: germline.
Comment: Variant summary: ABCC8 c.4135C>A (p.Arg1379Ser) results in a non-conservative amino acid change located in the ABC transporter-like and AAA+ ATPase domains of the encoded protein sequence. Five of five in-silico tools predict a damaging effect of the variant on protein function. The variant was absent in 205110 control chromosomes (gnomAD). The available data on variant occurrences in the general population are insufficient to allow any conclusion about variant significance. Therefore, these data do not allow any firm conclusions about variant significance. To our knowledge, no experimental evidence demonstrating an impact on protein function has been reported. A different variant affecting the same codon, c.4135C>T (p.Arg1379Cys), has been reported by Babenko et al (2006) and classified as pathogenic in our laboratory and in external databases (example ClinVar), suggesting this is a functionally important codon. One clinical diagnostic laboratory has submitted clinical-significance assessments for this variant to ClinVar after 2014 without evidence for independent evaluation and classified the variant as uncertain significance. Based on the evidence outlined above, the variant was classified as VUS-possibly pathogenic.

Natera, Inc.
Classification: Uncertain significance for Hereditary hyperinsulinism. Last evaluated: 2020-04-07. Review status: no assertion criteria provided. Collection method: clinical testing. Allele origin: germline. Not counted in ClinVar's aggregate classification.

Counsyl
Classification: Uncertain significance for Hyperinsulinemic hypoglycemia, familial, 1. Last evaluated: 2018-05-09. Review status: no assertion criteria provided. Collection method: clinical testing. Allele origin: unknown. Not counted in ClinVar's aggregate classification.

Literature cited by the submitters: PubMed 25555642 (cited by 3 submitters); PubMed 16885549 (cited by Labcorp Genetics (formerly Invitae), Labcorp); PubMed 17446535 (cited by Labcorp Genetics (formerly Invitae), Labcorp); PubMed 18025464 (cited by Labcorp Genetics (formerly Invitae), Labcorp); PubMed 27681997 (cited by Labcorp Genetics (formerly Invitae), Labcorp).